The following is an entry in ClinVar:

ClinVar aggregate classification (germline): Uncertain significance (1 of 4 stars; one submission).

Conditions:
Inborn genetic diseases. Identifiers: MedGen C0950123, MeSH D030342.

Allele frequency attached by ClinVar (database versions not stated): TOPMed below 0.00001; gnomAD 0.00001.
gnomAD v4.1: 1 of 1,613,904 alleles (0.000062%); highest among the groups gnomAD compares: Non-Finnish European, 0.000085%; no homozygotes.

Submission:

Ambry Genetics
Classification: Uncertain significance for Inborn genetic diseases. Last evaluated: 2024-04-10. Review status: criteria provided, single submitter. Criteria: Ambry Variant Classification Scheme 2023. Collection method: clinical testing. Allele origin: germline.
Comment: The p.S696I variant (also known as c.2087G>T), located in coding exon 13 of the EPAS1 gene, results from a G to T substitution at nucleotide position 2087. The serine at codon 696 is replaced by isoleucine, an amino acid with dissimilar properties. This amino acid position is conserved. In addition, this alteration is predicted to be tolerated by in silico analysis. Based on the available evidence, the clinical significance of this variant remains unclear.

NM_001430.5(EPAS1):c.2087G>T (p.Ser696Ile)

Gene: EPAS1 (endothelial PAS domain protein 1; plus strand). Cytogenetic location: 2p21.
Variant type: single nucleotide variant.
Coding change: c.2087G>T on transcript NM_001430.5 (MANE Select); coding-DNA position 2087, G replaced by T.
Protein change: p.Ser696Ile; replaces serine 696 with isoleucine.
Molecular consequence: missense variant.
Genome position (GRCh38, 1-based): chr2:46,381,637, G>T. VCF-style: chr2-46381637-G-T. GRCh37 (hg19) VCF-style: chr2-46608776-G-T.
Other names: short protein forms S696I.
Identifiers: ClinVar variation 2536245 (VCV002536245.3), dbSNP rs1487600759, ClinGen allele CA346705502.